The following is an entry in ClinVar:

NM_207361.6(FREM2):c.3715A>T (p.Met1239Leu)

Gene: FREM2 (FRAS1 related extracellular matrix 2; plus strand). Cytogenetic location: 13q13.3.
Variant type: single nucleotide variant.
Coding change: c.3715A>T on transcript NM_207361.6 (MANE Select); coding-DNA position 3715, A replaced by T.
Protein change: p.Met1239Leu; replaces methionine 1239 with leucine.
Molecular consequence: missense variant.
Genome position (GRCh38, 1-based): chr13:38,691,059, A>T. VCF-style: chr13-38691059-A-T. GRCh37 (hg19) VCF-style: chr13-39265196-A-T.
Other names: short protein forms M1239L.
Identifiers: ClinVar variation 2098766 (VCV002098766.2), dbSNP rs1461225198, ClinGen allele CA387891573.

ClinVar aggregate classification (germline): Uncertain significance. Review status: criteria provided, multiple submitters, no conflicts (2 of 4 stars). 2 submissions from 2 submitters: Uncertain significance (2). Last evaluated 2024-01-02.

Conditions:
Fraser syndrome 2 (FRASRS2). Identifiers: MedGen C4540036, MONDO:0054738, OMIM 617666.
Isolated cryptophthalmia. Also called: Cryptophthalmos, unilateral or bilateral, isolated; ANKYLOBLEPHARON, SIMPLE. Identifiers: Orphanet 91396, MedGen C1852453, MONDO:0007410, OMIM 123570.

Submissions (2):

Fulgent Genetics
Classification: Uncertain significance for Isolated cryptophthalmia; Fraser syndrome 2. Last evaluated: 2024-01-02. Review status: criteria provided, single submitter. Criteria: ACMG Guidelines, 2015. Collection method: clinical testing. Allele origin: germline.

Labcorp Genetics (formerly Invitae), Labcorp
Classification: Uncertain significance. Last evaluated: 2022-07-20. Review status: criteria provided, single submitter. Criteria: Invitae Variant Classification Sherloc (09022015). Collection method: clinical testing. Allele origin: germline.
Comment: This sequence change replaces methionine, which is neutral and non-polar, with leucine, which is neutral and non-polar, at codon 1239 of the FREM2 protein (p.Met1239Leu). This variant is not present in population databases (gnomAD no frequency). This variant has not been reported in the literature in individuals affected with FREM2-related conditions. Algorithms developed to predict the effect of missense changes on protein structure and function output the following: SIFT: "Tolerated"; PolyPhen-2: "Benign"; Align-GVGD: "Class C0". The leucine amino acid residue is found in multiple mammalian species, which suggests that this missense change does not adversely affect protein function. In summary, the available evidence is currently insufficient to determine the role of this variant in disease. Therefore, it has been classified as a Variant of Uncertain Significance.